The following is an entry in ClinVar:

ClinVar aggregate classification (germline): Benign. Review status: criteria provided, multiple submitters, no conflicts (2 of 4 stars). 4 submissions from 4 submitters: Benign (3). 1 of the submissions does not count toward it. Last evaluated 2026-02-03.

Conditions:
SLC22A4 POLYMORPHISM.

Allele frequency attached by ClinVar (database versions not stated): gnomAD 0.27734 and 0.28639; 1000 Genomes Project 30x 0.13804; TOPMed 0.27455; gnomAD exomes 0.29387 and 0.37881; 1000 Genomes Project 0.13438; ExAC 0.29127.
gnomAD v4.1: 594,360 of 1,612,884 alleles (37%); highest among the groups gnomAD compares: Non-Finnish European, 43%; 122,654 homozygotes.

Submissions (4):

Labcorp Genetics (formerly Invitae), Labcorp
Classification: Benign. Last evaluated: 2026-02-03. Review status: criteria provided, single submitter. Criteria: Invitae Variant Classification Sherloc (09022015). Collection method: clinical testing. Allele origin: germline.

GeneDx
Classification: Benign. Last evaluated: 2021-05-04. Review status: criteria provided, single submitter. Criteria: GeneDx Variant Classification Process June 2021. Collection method: clinical testing. Allele origin: germline. Affected: yes.
Comment: This variant is associated with the following publications: (PMID: 23127916, 30643255, 15107849, 17700366, 21816865, 22325173, 21793125, 21279723, 22206629)

Mayo Clinic Laboratories, Mayo Clinic
Classification: Benign. Last evaluated: 2020-09-04. Review status: criteria provided, single submitter. Criteria: ACMG Guidelines, 2015. Collection method: clinical testing. Allele origin: germline. Observed: 85 variant alleles.

OMIM
Classification: Benign for SLC22A4 POLYMORPHISM. Last evaluated: 2005-10-01. Review status: no assertion criteria provided. Collection method: literature only. Allele origin: germline. Not counted in ClinVar's aggregate classification.

Literature cited by the submitters: PubMed 15107849 (cited by OMIM); PubMed 16162962 (cited by OMIM).

NM_003059.3(SLC22A4):c.1507C>T (p.Leu503Phe)

Genes: MIR3936HG (MIR3936 host gene; minus strand), SLC22A4 (solute carrier family 22 member 4; plus strand). Cytogenetic location: 5q31.1.
Variant type: single nucleotide variant.
Coding change: c.1507C>T on transcript NM_003059.3 (MANE Select); coding-DNA position 1507, C replaced by T.
Protein change: p.Leu503Phe; replaces leucine 503 with phenylalanine.
Molecular consequence: missense variant.
Genome position (GRCh38, 1-based): chr5:132,340,627, C>T. VCF-style: chr5-132340627-C-T. GRCh37 (hg19) VCF-style: chr5-131676320-C-T.
Other names: short protein forms L503F.
Identifiers: ClinVar variation 5750 (VCV000005750.11), dbSNP rs1050152, ClinGen allele CA117718.
Genomic context (GRCh38, chr5:132,340,627, plus strand): 5'-GCTTACAACAGAATGCTGCCCTACATCGTCATGGGTAGTCTGACTGTCCTGATTGGAATC[C>T]TCACCCTTTTTTTCCCTGAAAGTTTGGGAATGACTCTTCCAGAAACCTTAGAGCAGATGC-3'
Protein context (NP_003050.2, residues 493-513): MGSLTVLIGI[Leu503Phe]TLFFPESLGM